The following is an entry in ClinVar:

ClinVar aggregate classification (germline): Pathogenic (1 of 4 stars; one submission).

Conditions:
Bloom syndrome (BLM). Also called: Bloom-Torre-Machacek syndrome. Identifiers: Orphanet 125, MedGen C0005859, MONDO:0008876, OMIM 210900.

Submission:

Labcorp Genetics (formerly Invitae), Labcorp
Classification: Pathogenic for Bloom syndrome. Last evaluated: 2024-07-19. Review status: criteria provided, single submitter. Criteria: Invitae Variant Classification Sherloc (09022015). Collection method: clinical testing. Allele origin: germline.
Comment: This sequence change creates a premature translational stop signal (p.Val970Glyfs*27) in the BLM gene. It is expected to result in an absent or disrupted protein product. Loss-of-function variants in BLM are known to be pathogenic (PMID: 17407155). This variant is not present in population databases (gnomAD no frequency). This variant has not been reported in the literature in individuals affected with BLM-related conditions. For these reasons, this variant has been classified as Pathogenic.

Literature cited by the submitters: PubMed 17407155.

NM_000057.4(BLM):c.2909_2910del (p.Val970fs)

Gene: BLM (BLM RecQ like helicase; plus strand). Cytogenetic location: 15q26.1.
Variant type: Microsatellite.
Coding change: c.2909_2910del on transcript NM_000057.4 (MANE Select); coding-DNA positions 2909 to 2910, 2 bases deleted (TG; older notation c.2909_2910delTG).
Protein change: p.Val970fs; shifts the reading frame from valine 970.
Molecular consequence: frameshift variant.
Genome position (GRCh38, 1-based): chr15:90,790,734-90,790,735, TG deleted; deleting any 2 consecutive bases within chr15:90,790,732-90,790,735 gives the same sequence; the c. name uses the placement nearest the transcript's 3' end. VCF-style (leftmost placement, unchanged base first): chr15-90790731-CTG-C. GRCh37 (hg19) VCF-style: chr15-91333961-CTG-C.
Other names: c.2909_2910del, p.Val970fs (NM_001287246.2, NM_001287247.2); c.1784_1785del, p.Val595fs (NM_001287248.2); short protein forms V595fs, V970fs.
Identifiers: ClinVar variation 3659867 (VCV003659867.2).